The following is an entry in ClinVar:

ClinVar aggregate classification (germline): Uncertain significance (1 of 4 stars; one submission).

Conditions:
Cortical dysplasia-focal epilepsy syndrome (PTHSL1). Also called: Pitt-Hopkins-like syndrome 1. Identifiers: Orphanet 163681, Orphanet 221150, MedGen C2750246, MONDO:0012400, OMIM 610042.

Allele frequency attached by ClinVar (database versions not stated): gnomAD exomes 0.00002; ExAC 0.00003.
gnomAD v4.1: 41 of 1,613,954 alleles (0.0025%); highest among the groups gnomAD compares: Non-Finnish European, 0.0031%; no homozygotes.

Submission:

Labcorp Genetics (formerly Invitae), Labcorp
Classification: Uncertain significance for Cortical dysplasia-focal epilepsy syndrome. Last evaluated: 2022-09-06. Review status: criteria provided, single submitter. Criteria: Invitae Variant Classification Sherloc (09022015). Collection method: clinical testing. Allele origin: germline.
Comment: This sequence change replaces arginine, which is basic and polar, with histidine, which is basic and polar, at codon 777 of the CNTNAP2 protein (p.Arg777His). This variant is present in population databases (rs752756517, gnomAD 0.006%). This variant has not been reported in the literature in individuals affected with CNTNAP2-related conditions. ClinVar contains an entry for this variant (Variation ID: 969842). Algorithms developed to predict the effect of missense changes on protein structure and function (SIFT, PolyPhen-2, Align-GVGD) all suggest that this variant is likely to be disruptive. In summary, the available evidence is currently insufficient to determine the role of this variant in disease. Therefore, it has been classified as a Variant of Uncertain Significance.

NM_014141.6(CNTNAP2):c.2330G>A (p.Arg777His)

Gene: CNTNAP2 (contactin associated protein 2; plus strand). Cytogenetic location: 7q35.
Variant type: single nucleotide variant.
Coding change: c.2330G>A on transcript NM_014141.6 (MANE Select); coding-DNA position 2330, G replaced by A.
Protein change: p.Arg777His; replaces arginine 777 with histidine.
Molecular consequence: missense variant.
Genome position (GRCh38, 1-based): chr7:147,977,936, G>A. VCF-style: chr7-147977936-G-A. GRCh37 (hg19) VCF-style: chr7-147675028-G-A.
Other names: short protein forms R777H.
Identifiers: ClinVar variation 969842 (VCV000969842.7), dbSNP rs752756517, ClinGen allele CA4546376.